The following is an entry in ClinVar:

NM_001942.4(DSG1):c.2181T>C (p.Gly727=)

Genes: DSG1 (desmoglein 1; plus strand), DSG1-AS1 (DSG1 antisense RNA 1; minus strand), LOC126862720 (MED14-independent group 3 enhancer GRCh37_chr18:28933613-28934812; plus strand). Cytogenetic location: 18q12.1.
Variant type: single nucleotide variant.
Coding change: c.2181T>C on transcript NM_001942.4 (MANE Select); coding-DNA position 2181, T replaced by C.
Protein change: p.Gly727=; no amino-acid change (glycine 727 retained).
Molecular consequence: synonymous variant. On other transcripts: non-coding transcript variant (1).
Genome position (GRCh38, 1-based): chr18:31,354,377, T>C. VCF-style: chr18-31354377-T-C. GRCh37 (hg19) VCF-style: chr18-28934340-T-C.
Other names: c.2181T>C (NM_001942.3).
Identifiers: ClinVar variation 1614814 (VCV001614814.10), dbSNP rs202146025, ClinGen allele CA8926308.
Genomic context (GRCh38, chr18:31,354,377, plus strand): 5'-TGAAGATGAAGGACGCCCATCTAATGACTGTTTGCTCATATATGACATCGAAGGTGTAGG[T>C]TCCCCTGCTGGCTCTGTGGGTTGTTGTAGCTTCATTGGAGAAGACCTGGATGACAGCTTC-3'
Protein context (NP_001933.2, residues 717-737): CLLIYDIEGV[Gly727=]SPAGSVGCCS

ClinVar aggregate classification (germline): Likely benign. Review status: criteria provided, single submitter (1 of 4 stars). 2 submissions from 2 submitters: Likely benign (1). 1 of the submissions does not count toward it. Last evaluated 2025-06-22.

Conditions:
DSG1-related disorder. Also called: DSG1-related condition.

Allele frequency attached by ClinVar (database versions not stated): gnomAD exomes 0.00004 and 0.00016; ExAC 0.00005; ESP Exome Variant Server 0.00008; TOPMed 0.00009; gnomAD 0.00011 and 0.00012.
gnomAD v4.1: 246 of 1,614,086 alleles (0.015%); highest among the groups gnomAD compares: Non-Finnish European, 0.02%; no homozygotes.

Submissions (2):

Labcorp Genetics (formerly Invitae), Labcorp
Classification: Likely benign. Last evaluated: 2025-06-22. Review status: criteria provided, single submitter. Criteria: Invitae Variant Classification Sherloc (09022015). Collection method: clinical testing. Allele origin: germline.

PreventionGenetics, part of Exact Sciences
Classification: Likely benign for DSG1-related condition. Last evaluated: 2023-01-09. Review status: no assertion criteria provided. Collection method: clinical testing. Allele origin: germline. Not counted in ClinVar's aggregate classification.
Comment: This variant is classified as likely benign based on ACMG/AMP sequence variant interpretation guidelines (Richards et al. 2015 PMID: 25741868, with internal and published modifications).